The following is an entry in ClinVar:

NM_001844.5(COL2A1):c.1610G>T (p.Gly537Val)

Gene: COL2A1 (collagen type II alpha 1 chain; minus strand). Cytogenetic location: 12q13.11.
Variant type: single nucleotide variant.
Coding change: c.1610G>T on transcript NM_001844.5 (MANE Select); coding-DNA position 1610, G replaced by T.
Protein change: p.Gly537Val; replaces glycine 537 with valine.
Molecular consequence: missense variant.
Genome position (GRCh38, 1-based): chr12:47,985,798, C>A on the plus strand (G>T on the coding strand, the complement: COL2A1 is on the minus strand). VCF-style: chr12-47985798-C-A. GRCh37 (hg19) VCF-style: chr12-48379581-C-A.
Other names: c.1403G>T, p.Gly468Val (NM_033150.3); short protein forms G468V, G537V.
Identifiers: ClinVar variation 4747068 (VCV004747068.1).

ClinVar aggregate classification (germline): Likely pathogenic (1 of 4 stars; one submission).

Submission:

Labcorp Genetics (formerly Invitae), Labcorp
Classification: Likely pathogenic. Last evaluated: 2025-05-21. Review status: criteria provided, single submitter. Criteria: Invitae Variant Classification Sherloc (09022015). Collection method: clinical testing. Allele origin: germline.
Comment: This sequence change replaces glycine, which is neutral and non-polar, with valine, which is neutral and non-polar, at codon 537 of the COL2A1 protein (p.Gly537Val). This variant is not present in population databases (gnomAD no frequency). This variant has not been reported in the literature in individuals affected with COL2A1-related conditions. Invitae Evidence Modeling of protein sequence and biophysical properties (such as structural, functional, and spatial information, amino acid conservation, physicochemical variation, residue mobility, and thermodynamic stability) indicates that this missense variant is expected to disrupt COL2A1 protein function with a positive predictive value of 95%. This variant disrupts the triple helix domain of COL2A1. Glycine residues within the Gly-Xaa-Yaa repeats of the triple helix domain are required for the structure and stability of fibrillar collagens (PMID: 7695699, 8218237, 19344236). In COL2A1, variants affecting these glycine residues are significantly enriched in individuals with disease (PMID: 9016532, 17078022) compared to the general population (ExAC). This variant disrupts the p.Gly537 amino acid residue in COL2A1. Other variant(s) that disrupt this residue have been observed in individuals with COL2A1-related conditions (PMID: 15895462, 27059630), which suggests that this may be a clinically significant amino acid residue. In summary, the currently available evidence indicates that the variant is pathogenic, but additional data are needed to prove that conclusively. Therefore, this variant has been classified as Likely Pathogenic.

Literature cited by the submitters: PubMed 7695699; PubMed 8218237; PubMed 19344236; PubMed 9016532; PubMed 17078022; PubMed 15895462; PubMed 27059630.